The following is an entry in ClinVar:

NM_001376.5(DYNC1H1):c.11686G>A (p.Val3896Met)

Gene: DYNC1H1 (dynein cytoplasmic 1 heavy chain 1; plus strand). Cytogenetic location: 14q32.31.
Variant type: single nucleotide variant.
Coding change: c.11686G>A on transcript NM_001376.5 (MANE Select); coding-DNA position 11686, G replaced by A.
Protein change: p.Val3896Met; replaces valine 3896 with methionine.
Molecular consequence: missense variant.
Genome position (GRCh38, 1-based): chr14:102,039,728, G>A. VCF-style: chr14-102039728-G-A. GRCh37 (hg19) VCF-style: chr14-102506065-G-A.
Other names: short protein forms V3896M.
Identifiers: ClinVar variation 1063675 (VCV001063675.32), dbSNP rs567629350, ClinGen allele CA7353689.

ClinVar aggregate classification (germline): Conflicting classifications of pathogenicity. Review status: criteria provided, conflicting classifications (1 of 4 stars). 2 submissions from 2 submitters: Uncertain significance (1); Likely benign (1). Last evaluated 2023-07-22.

Conditions:
Charcot-Marie-Tooth disease axonal type 2O. Also called: Charcot-Marie-Tooth Neuropathy Type 2O; Charcot-Marie-Tooth disease, axonal, type 20; CHARCOT-MARIE-TOOTH NEUROPATHY, AXONAL, TYPE 2O; CHARCOT-MARIE-TOOTH DISEASE, AXONAL, AUTOSOMAL DOMINANT, TYPE 2O. Identifiers: Orphanet 284232, MedGen C3280220, MONDO:0013644, OMIM 614228.

Allele frequency attached by ClinVar (database versions not stated): ExAC 0.00001; gnomAD 0.00002 and 0.00003; gnomAD exomes 0.00002; TOPMed 0.00003; 1000 Genomes Project 0.00020; 1000 Genomes Project 30x 0.00031.
gnomAD v4.1: 33 of 1,614,200 alleles (0.002%); highest among the groups gnomAD compares: East Asian, 0.025%; no homozygotes.

Submissions (2):

Labcorp Genetics (formerly Invitae), Labcorp
Classification: Likely benign for Charcot-Marie-Tooth disease axonal type 2O. Last evaluated: 2023-07-22. Review status: criteria provided, single submitter. Criteria: Invitae Variant Classification Sherloc (09022015). Collection method: clinical testing. Allele origin: germline.

CeGaT Center for Human Genetics Tuebingen
Classification: Uncertain significance. Last evaluated: 2022-03-01. Review status: criteria provided, single submitter. Criteria: CeGaT Center For Human Genetics Tuebingen Variant Classification Criteria Version 2. Collection method: clinical testing. Allele origin: germline. Affected: yes. Observed: 1 variant allele.
Comment: DYNC1H1: PP2, PP4, BP4